The following is an entry in ClinVar:

NM_018993.4(RIN2):c.58-65C>G

Gene: RIN2 (Ras and Rab interactor 2; plus strand). Cytogenetic location: 20p11.23.
Variant type: single nucleotide variant.
Coding change: c.58-65C>G on transcript NM_018993.4 (MANE Select); 65 bases into the intron before coding-DNA position 58, C replaced by G.
Molecular consequence: intron variant.
Genome position (GRCh38, 1-based): chr20:19,935,034, C>G. VCF-style: chr20-19935034-C-G. GRCh37 (hg19) VCF-style: chr20-19915678-C-G.
Other names: c.-488-65C>G (NM_001378238.1); c.205-65C>G (NM_001242581.2).
Identifiers: ClinVar variation 679115 (VCV000679115.2), dbSNP rs117184213, ClinGen allele CA14771756.

ClinVar aggregate classification (germline): Benign. Review status: criteria provided, multiple submitters, no conflicts (2 of 4 stars). 2 submissions from 2 submitters: Benign (2). Last evaluated 2018-06-14.

Allele frequency attached by ClinVar (database versions not stated): TOPMed 0.03509; 1000 Genomes Project 0.01677; 1000 Genomes Project 30x 0.01796; gnomAD 0.04084.
gnomAD v4.1: 56,970 of 1,211,888 alleles (4.7%); highest among the groups gnomAD compares: Non-Finnish European, 5.7%; 1,710 homozygotes.

Submissions (2):

GeneDx
Classification: Benign. Last evaluated: 2018-06-14. Review status: criteria provided, single submitter. Criteria: GeneDx Variant Classification (06012015). Collection method: clinical testing. Allele origin: germline. Affected: yes.
Comment: This variant is considered likely benign or benign based on one or more of the following criteria: it is a conservative change, it occurs at a poorly conserved position in the protein, it is predicted to be benign by multiple in silico algorithms, and/or has population frequency not consistent with disease.

Breakthrough Genomics
Classification: Benign. Review status: criteria provided, single submitter. Criteria: ACMG Guidelines, 2015. Collection method: not provided. Allele origin: germline. Inheritance: Autosomal recessive inheritance. Affected: yes.